The following is an entry in ClinVar:

ClinVar aggregate classification (germline): Benign (0 of 4 stars; one submission).

Conditions:
DCHS2-related disorder. Also called: DCHS2-related condition.

Allele frequency attached by ClinVar (database versions not stated): 1000 Genomes Project 0.01018; 1000 Genomes Project 30x 0.01093; gnomAD 0.02315; TOPMed 0.02488; ExAC 0.02526; ESP Exome Variant Server 0.02630; gnomAD exomes 0.03393.
gnomAD v4.1: 53,011 of 1,612,524 alleles (3.3%); highest among the groups gnomAD compares: Non-Finnish European, 3.9%; 1,045 homozygotes.

Submission:

PreventionGenetics, part of Exact Sciences
Classification: Benign for DCHS2-related condition. Last evaluated: 2019-08-12. Review status: no assertion criteria provided. Collection method: clinical testing. Allele origin: germline.
Comment: This variant is classified as benign based on ACMG/AMP sequence variant interpretation guidelines (Richards et al. 2015 PMID: 25741868, with internal and published modifications).

NM_001358235.2(DCHS2):c.3807C>T (p.Arg1269=)

Gene: DCHS2 (dachsous cadherin-related 2; minus strand). Cytogenetic location: 4q31.3.
Variant type: single nucleotide variant.
Coding change: c.3807C>T on transcript NM_001358235.2 (MANE Select); coding-DNA position 3807, C replaced by T.
Protein change: p.Arg1269=; no amino-acid change (arginine 1269 retained).
Molecular consequence: synonymous variant.
Genome position (GRCh38, 1-based): chr4:154,329,634, G>A on the plus strand (C>T on the coding strand, the complement: DCHS2 is on the minus strand). VCF-style: chr4-154329634-G-A. GRCh37 (hg19) VCF-style: chr4-155250786-G-A.
Other names: c.3807C>T, p.Arg1269= (NM_001142552.2, NM_001412223.1).
Identifiers: ClinVar variation 3037221 (VCV003037221.2), dbSNP rs34249493, ClinGen allele CA3113078.